The following is an entry in ClinVar:

ClinVar aggregate classification (germline): Uncertain significance (1 of 4 stars; one submission).

Submission:

GeneDx
Classification: Uncertain significance. Last evaluated: 2024-10-14. Review status: criteria provided, single submitter. Criteria: GeneDx Variant Classification Process June 2021. Collection method: clinical testing. Allele origin: germline. Affected: yes.
Comment: Not observed at significant frequency in large population cohorts (gnomAD); In silico analysis supports that this missense variant has a deleterious effect on protein structure/function; Has not been previously published as pathogenic or benign to our knowledge

NM_015015.3(KDM4B):c.626G>T (p.Trp209Leu)

Gene: KDM4B (lysine demethylase 4B; plus strand). Cytogenetic location: 19p13.3.
Variant type: single nucleotide variant.
Coding change: c.626G>T on transcript NM_015015.3 (MANE Select); coding-DNA position 626, G replaced by T.
Protein change: p.Trp209Leu; replaces tryptophan 209 with leucine.
Molecular consequence: missense variant.
Genome position (GRCh38, 1-based): chr19:5,047,669, G>T. VCF-style: chr19-5047669-G-T. GRCh37 (hg19) VCF-style: chr19-5047680-G-T.
Other names: c.626G>T, p.Trp209Leu (NM_001370093.1, NM_001370094.1, NM_001411148.1); short protein forms W209L.
Identifiers: ClinVar variation 3777674 (VCV003777674.1).